The following is an entry in ClinVar:

NM_020706.2(SCAF4):c.2396G>C (p.Gly799Ala)

Gene: SCAF4 (SR-related CTD associated factor 4; minus strand). Cytogenetic location: 21q22.11.
Variant type: single nucleotide variant.
Coding change: c.2396G>C on transcript NM_020706.2 (MANE Select); coding-DNA position 2396, G replaced by C.
Protein change: p.Gly799Ala; replaces glycine 799 with alanine.
Molecular consequence: missense variant.
Genome position (GRCh38, 1-based): chr21:31,685,141, C>G on the plus strand (G>C on the coding strand, the complement: SCAF4 is on the minus strand). VCF-style: chr21-31685141-C-G. GRCh37 (hg19) VCF-style: chr21-33057454-C-G.
Other names: c.2351G>C, p.Gly784Ala (NM_001145444.1); c.2330G>C, p.Gly777Ala (NM_001145445.1); short protein forms G777A, G784A, G799A.
Identifiers: ClinVar variation 5018408 (VCV005018408.1).

ClinVar aggregate classification (germline): Uncertain significance (1 of 4 stars; one submission).

gnomAD v4.1: 1 of 1,613,032 alleles (0.000062%); highest among the groups gnomAD compares: Non-Finnish European, 0.000085%; no homozygotes.

Submission:

GeneDx
Classification: Uncertain significance. Last evaluated: 2026-04-10. Review status: criteria provided, single submitter. Criteria: GeneDx Variant Classification Process June 2021. Collection method: clinical testing. Allele origin: germline.
Comment: Not observed at significant frequency in large population cohorts (gnomAD); In silico analysis suggests that this missense variant does not alter protein structure/function; Has not been previously published as pathogenic or benign to our knowledge